The following is an entry in ClinVar:

NM_006214.4(PHYH):c.950G>A (p.Ser317Asn)

Gene: PHYH (phytanoyl-CoA 2-hydroxylase; minus strand). Cytogenetic location: 10p13.
Variant type: single nucleotide variant.
Coding change: c.950G>A on transcript NM_006214.4 (MANE Select); coding-DNA position 950, G replaced by A.
Protein change: p.Ser317Asn; replaces serine 317 with asparagine.
Molecular consequence: missense variant.
Genome position (GRCh38, 1-based): chr10:13,280,989, C>T on the plus strand (G>A on the coding strand, the complement: PHYH is on the minus strand). VCF-style: chr10-13280989-C-T. GRCh37 (hg19) VCF-style: chr10-13322989-C-T.
Other names: c.650G>A, p.Ser217Asn (NM_001037537.2, NM_001323080.2); c.956G>A, p.Ser319Asn (NM_001323082.2); c.686G>A, p.Ser229Asn (NM_001323083.2); c.656G>A, p.Ser219Asn (NM_001323084.2); c.950G>A (NM_006214.3); short protein forms S217N, S317N, S229N, S219N, S319N.
Identifiers: ClinVar variation 1371869 (VCV001371869.6), dbSNP rs111664132, ClinGen allele CA5412199.

ClinVar aggregate classification (germline): Uncertain significance. Review status: criteria provided, multiple submitters, no conflicts (2 of 4 stars). 3 submissions from 3 submitters: Uncertain significance (3). Last evaluated 2026-06-25.

Conditions:
PHYH-related disorder. Also called: PHYH-related condition.
Inborn genetic diseases. Identifiers: MedGen C0950123, MeSH D030342.

Allele frequency attached by ClinVar (database versions not stated): ExAC 0.00001; gnomAD 0.00001 and 0.00003; gnomAD exomes 0.00001; TOPMed 0.00002.
gnomAD v4.1: 26 of 1,614,076 alleles (0.0016%); highest among the groups gnomAD compares: African/African-American, 0.024%; no homozygotes.

Submissions (3):

PreventionGenetics, part of Exact Sciences
Classification: Uncertain significance for PHYH-related condition. Last evaluated: 2026-06-25. Review status: criteria provided, single submitter. Criteria: ACMG Guidelines, 2015. Collection method: clinical testing. Allele origin: germline.
Comment: The PHYH c.950G>A variant is predicted to result in the amino acid substitution p.Ser317Asn. To our knowledge, this variant has not been reported in the literature. This variant is reported in 0.0062% of alleles in individuals of African descent in gnomAD. At this time, the clinical significance of this variant is uncertain due to the absence of conclusive functional and genetic evidence.

Labcorp Genetics (formerly Invitae), Labcorp
Classification: Uncertain significance. Last evaluated: 2024-09-16. Review status: criteria provided, single submitter. Criteria: Invitae Variant Classification Sherloc (09022015). Collection method: clinical testing. Allele origin: germline.
Comment: This sequence change replaces serine, which is neutral and polar, with asparagine, which is neutral and polar, at codon 317 of the PHYH protein (p.Ser317Asn). This variant is present in population databases (rs111664132, gnomAD 0.007%). This variant has not been reported in the literature in individuals affected with PHYH-related conditions. ClinVar contains an entry for this variant (Variation ID: 1371869). An algorithm developed to predict the effect of missense changes on protein structure and function outputs the following: PolyPhen-2: "Benign". The asparagine amino acid residue is found in multiple mammalian species, which suggests that this missense change does not adversely affect protein function. In summary, the available evidence is currently insufficient to determine the role of this variant in disease. Therefore, it has been classified as a Variant of Uncertain Significance.

Ambry Genetics
Classification: Uncertain significance for Inborn genetic diseases. Last evaluated: 2022-09-14. Review status: criteria provided, single submitter. Criteria: Ambry Variant Classification Scheme 2023. Collection method: clinical testing. Allele origin: germline.